The following is an entry in ClinVar:

NM_172201.2(KCNE2):c.31C>G (p.Leu11Val)

Genes: KCNE2 (potassium voltage-gated channel subfamily E regulatory subunit 2; plus strand), LOC105372791 (uncharacterized LOC105372791; minus strand). Cytogenetic location: 21q22.11.
Variant type: single nucleotide variant.
Coding change: c.31C>G on transcript NM_172201.2 (MANE Select); coding-DNA position 31, C replaced by G.
Protein change: p.Leu11Val; replaces leucine 11 with valine.
Molecular consequence: missense variant.
Genome position (GRCh38, 1-based): chr21:34,370,509, C>G. VCF-style: chr21-34370509-C-G. GRCh37 (hg19) VCF-style: chr21-35742808-C-G.
Other names: short protein forms L11V.
Identifiers: ClinVar variation 2127889 (VCV002127889.4), dbSNP rs1380038133, ClinGen allele CA410196128.

ClinVar aggregate classification (germline): Uncertain significance (1 of 4 stars; one submission).

Conditions:
Long QT syndrome 6 (LQT6). Identifiers: Orphanet 101016, Orphanet 768, MedGen C3150953, MONDO:0013370, OMIM 613693.

Submission:

Labcorp Genetics (formerly Invitae), Labcorp
Classification: Uncertain significance for Long QT syndrome 6. Last evaluated: 2022-04-19. Review status: criteria provided, single submitter. Criteria: Invitae Variant Classification Sherloc (09022015). Collection method: clinical testing. Allele origin: germline.
Comment: This variant has not been reported in the literature in individuals affected with KCNE2-related conditions. In summary, the available evidence is currently insufficient to determine the role of this variant in disease. Therefore, it has been classified as a Variant of Uncertain Significance. Algorithms developed to predict the effect of missense changes on protein structure and function (SIFT, PolyPhen-2, Align-GVGD) all suggest that this variant is likely to be tolerated. This variant is not present in population databases (gnomAD no frequency). This sequence change replaces leucine, which is neutral and non-polar, with valine, which is neutral and non-polar, at codon 11 of the KCNE2 protein (p.Leu11Val).